The following is an entry in ClinVar:

NM_004924.6(ACTN4):c.1923G>C (p.Gln641His)

Gene: ACTN4 (actinin alpha 4; plus strand). Cytogenetic location: 19q13.2.
Variant type: single nucleotide variant.
Coding change: c.1923G>C on transcript NM_004924.6 (MANE Select); coding-DNA position 1923, G replaced by C.
Protein change: p.Gln641His; replaces glutamine 641 with histidine.
Molecular consequence: missense variant.
Genome position (GRCh38, 1-based): chr19:38,724,478, G>C. VCF-style: chr19-38724478-G-C. GRCh37 (hg19) VCF-style: chr19-39215118-G-C.
Other names: c.1923G>C, p.Gln641His (NM_001322033.2); short protein forms Q641H.
Identifiers: ClinVar variation 1308814 (VCV001308814.2), dbSNP rs773357692, ClinGen allele CA405698746.

ClinVar aggregate classification (germline): Uncertain significance (1 of 4 stars; one submission).

Allele frequency attached by ClinVar (database versions not stated): gnomAD 0.00001; TOPMed 0.00002.

Submission:

GeneDx
Classification: Uncertain significance. Last evaluated: 2019-10-02. Review status: criteria provided, single submitter. Criteria: GeneDx Variant Classification Process June 2021. Collection method: clinical testing. Allele origin: germline. Affected: yes.
Comment: Not observed in large population cohorts (Lek et al., 2016); In silico analysis, which includes protein predictors and evolutionary conservation, supports that this variant does not alter protein structure/function; Has not been previously published as pathogenic or benign to our knowledge